The following is an entry in ClinVar:

ClinVar aggregate classification (germline): Conflicting classifications of pathogenicity. Review status: criteria provided, conflicting classifications (1 of 4 stars). 5 submissions from 4 submitters: Uncertain significance (4); Benign (1). Last evaluated 2023-07-07.

Conditions:
Adams-Oliver syndrome 5 (AOS5). Identifiers: Orphanet 974, MedGen C4014970, MONDO:0014459, OMIM 616028.
Familial thoracic aortic aneurysm and aortic dissection (TAAD). Also called: Thoracic aortic aneurysms and dissections. Identifiers: Orphanet 91387, MedGen C4707243, MONDO:0019625.
Aortic valve disease 1 (AOVD1). Identifiers: MedGen C3887892, MONDO:0024523, OMIM 109730.

Allele frequency attached by ClinVar (database versions not stated): gnomAD exomes 0.00001; ExAC 0.00002; gnomAD 0.00002; TOPMed 0.00003.
gnomAD v4.1: 17 of 1,611,362 alleles (0.0011%); highest among the groups gnomAD compares: African/African-American, 0.004%; no homozygotes.

Submissions (5):

Labcorp Genetics (formerly Invitae), Labcorp
Classification: Benign for Adams-Oliver syndrome 5. Last evaluated: 2023-07-07. Review status: criteria provided, single submitter. Criteria: Invitae Variant Classification Sherloc (09022015). Collection method: clinical testing. Allele origin: germline.

Ambry Genetics
Classification: Uncertain significance for Familial thoracic aortic aneurysm and aortic dissection. Last evaluated: 2022-12-14. Review status: criteria provided, single submitter. Criteria: Ambry Variant Classification Scheme 2023. Collection method: clinical testing. Allele origin: germline.
Comment: The p.R1234Q variant (also known as c.3701G>A), located in coding exon 23 of the NOTCH1 gene, results from a G to A substitution at nucleotide position 3701. The arginine at codon 1234 is replaced by glutamine, an amino acid with highly similar properties. This amino acid position is not well conserved in available vertebrate species. In addition, this alteration is predicted to be tolerated by in silico analysis. Since supporting evidence is limited at this time, the clinical significance of this alteration remains unclear.

Genome-Nilou Lab
Classification: Uncertain significance for Adams-Oliver syndrome 5. Last evaluated: 2022-03-15. Review status: criteria provided, single submitter. Criteria: ACMG Guidelines, 2015. Collection method: clinical testing. Allele origin: germline. Affected: no.

Genome-Nilou Lab
Classification: Uncertain significance for Aortic valve disease 1. Last evaluated: 2022-03-15. Review status: criteria provided, single submitter. Criteria: ACMG Guidelines, 2015. Collection method: clinical testing. Allele origin: germline. Affected: no.

GeneDx
Classification: Uncertain significance. Last evaluated: 2019-08-28. Review status: criteria provided, single submitter. Criteria: GeneDx Variant Classification Process June 2021. Collection method: clinical testing. Allele origin: germline. Affected: yes.
Comment: Has not been previously published as pathogenic or benign to our knowledge; Not observed at a significant frequency in large population cohorts (Lek et al., 2016); In silico analysis, which includes protein predictors and evolutionary conservation, supports that this variant does not alter protein structure/function

NM_017617.5(NOTCH1):c.3701G>A (p.Arg1234Gln)

Gene: NOTCH1 (notch receptor 1; minus strand). Cytogenetic location: 9q34.3.
Variant type: single nucleotide variant.
Coding change: c.3701G>A on transcript NM_017617.5 (MANE Select); coding-DNA position 3701, G replaced by A.
Protein change: p.Arg1234Gln; replaces arginine 1234 with glutamine.
Molecular consequence: missense variant.
Genome position (GRCh38, 1-based): chr9:136,506,916, C>T on the plus strand (G>A on the coding strand, the complement: NOTCH1 is on the minus strand). VCF-style: chr9-136506916-C-T. GRCh37 (hg19) VCF-style: chr9-139401368-C-T.
Other names: short protein forms R1234Q.
Identifiers: ClinVar variation 1310422 (VCV001310422.13), dbSNP rs773926521, ClinGen allele CA5340818.